The following is an entry in ClinVar:

ClinVar aggregate classification (germline): Uncertain significance (1 of 4 stars; one submission).

gnomAD v4.1: 1 of 1,613,986 alleles (0.000062%); highest among the groups gnomAD compares: Non-Finnish European, 0.000085%; no homozygotes.

Submission:

Women's Health and Genetics/Laboratory Corporation of America, LabCorp
Classification: Uncertain significance. Last evaluated: 2025-07-16. Review status: criteria provided, single submitter. Criteria: LabCorp Variant Classification Summary - May 2015. Collection method: clinical testing. Allele origin: germline.
Comment: Variant summary: INSR c.788G>C (p.Arg263Thr) results in a non-conservative amino acid change in the encoded protein sequence. Algorithms developed to predict the effect of missense changes on protein structure and function are either unavailable or do not agree on the potential impact of this missense change. The variant allele was found at a frequency of 4e-06 in 251156 control chromosomes. The available data on variant occurrences in the general population are insufficient to allow any conclusion about variant significance. To our knowledge, no occurrence of c.788G>C in individuals affected with Hyperinsulinemic Hypoglycemia Familial 5 and no experimental evidence demonstrating its impact on protein function have been reported. No submitters have cited clinical-significance assessments for this variant to ClinVar. Based on the evidence outlined above, the variant was classified as uncertain significance.

NM_000208.4(INSR):c.788G>C (p.Arg263Thr)

Gene: INSR (insulin receptor; minus strand). Cytogenetic location: 19p13.2.
Variant type: single nucleotide variant.
Coding change: c.788G>C on transcript NM_000208.4 (MANE Select); coding-DNA position 788, G replaced by C.
Protein change: p.Arg263Thr; replaces arginine 263 with threonine.
Molecular consequence: missense variant.
Genome position (GRCh38, 1-based): chr19:7,184,502, C>G on the plus strand (G>C on the coding strand, the complement: INSR is on the minus strand). VCF-style: chr19-7184502-C-G. GRCh37 (hg19) VCF-style: chr19-7184513-C-G.
Other names: c.788G>C, p.Arg263Thr (NM_001079817.3); short protein forms R263T.
Identifiers: ClinVar variation 4525842 (VCV004525842.1).